The following is an entry in ClinVar:

NM_017491.5(WDR1):c.923A>G (p.Asn308Ser)

Gene: WDR1 (WD repeat domain 1; minus strand). Cytogenetic location: 4p16.1.
Variant type: single nucleotide variant.
Coding change: c.923A>G on transcript NM_017491.5 (MANE Select); coding-DNA position 923, A replaced by G.
Protein change: p.Asn308Ser; replaces asparagine 308 with serine.
Molecular consequence: missense variant.
Genome position (GRCh38, 1-based): chr4:10,087,735, T>C on the plus strand (A>G on the coding strand, the complement: WDR1 is on the minus strand). VCF-style: chr4-10087735-T-C. GRCh37 (hg19) VCF-style: chr4-10089359-T-C.
Other names: c.503A>G, p.Asn168Ser (NM_005112.5); short protein forms N308S, N168S.
Identifiers: ClinVar variation 1491504 (VCV001491504.4), dbSNP rs1224207312, ClinGen allele CA356361743.

ClinVar aggregate classification (germline): Uncertain significance (1 of 4 stars; one submission).

Allele frequency attached by ClinVar (database versions not stated): gnomAD 0.00001; gnomAD exomes 0.00002.
gnomAD v4.1: 24 of 1,599,550 alleles (0.0015%); highest among the groups gnomAD compares: Non-Finnish European, 0.002%; no homozygotes.

Submission:

Labcorp Genetics (formerly Invitae), Labcorp
Classification: Uncertain significance. Last evaluated: 2021-10-25. Review status: criteria provided, single submitter. Criteria: Invitae Variant Classification Sherloc (09022015). Collection method: clinical testing. Allele origin: germline.
Comment: In summary, the available evidence is currently insufficient to determine the role of this variant in disease. Therefore, it has been classified as a Variant of Uncertain Significance. Algorithms developed to predict the effect of missense changes on protein structure and function are either unavailable or do not agree on the potential impact of this missense change (SIFT: "Tolerated"; PolyPhen-2: "Probably Damaging"; Align-GVGD: "Class C0"). This variant has not been reported in the literature in individuals affected with WDR1-related conditions. This variant is not present in population databases (ExAC no frequency). This sequence change replaces asparagine with serine at codon 308 of the WDR1 protein (p.Asn308Ser). The asparagine residue is moderately conserved and there is a small physicochemical difference between asparagine and serine.